The following is an entry in ClinVar:

NM_000038.6(APC):c.7712C>T (p.Ser2571Phe)

Gene: APC (APC regulator of Wnt signaling pathway; plus strand). Cytogenetic location: 5q22.2.
Variant type: single nucleotide variant.
Coding change: c.7712C>T on transcript NM_000038.6 (MANE Select); coding-DNA position 7712, C replaced by T.
Protein change: p.Ser2571Phe; replaces serine 2571 with phenylalanine.
Molecular consequence: missense variant.
Genome position (GRCh38, 1-based): chr5:112,843,306, C>T. VCF-style: chr5-112843306-C-T. GRCh37 (hg19) VCF-style: chr5-112179003-C-T.
Other names: c.7712C>T, p.Ser2571Phe (NM_001127510.3, NM_001354895.2); c.7658C>T, p.Ser2553Phe (NM_001127511.3); c.7766C>T, p.Ser2589Phe (NM_001354896.2); c.7742C>T, p.Ser2581Phe (NM_001354897.2); c.7637C>T, p.Ser2546Phe (NM_001354898.2); c.7628C>T, p.Ser2543Phe (NM_001354899.2); c.7589C>T, p.Ser2530Phe (NM_001354900.2); c.7535C>T, p.Ser2512Phe (NM_001354901.2); and 5 more; short protein forms S2288F, S2411F, S2445F, S2470F, S2480F, S2512F, S2530F, S2543F.
Identifiers: ClinVar variation 1005424 (VCV001005424.11), dbSNP rs1766544899, ClinGen allele CA16038085.

ClinVar aggregate classification (germline): Uncertain significance. Review status: criteria provided, multiple submitters, no conflicts (2 of 4 stars). 2 submissions from 2 submitters: Uncertain significance (2). Last evaluated 2023-05-08.

Conditions:
Classic or attenuated familial adenomatous polyposis. Identifiers: MedGen CN372698, MONDO:0021057.
Familial adenomatous polyposis 1 (FAP1). Also called: FAMILIAL ADENOMATOUS POLYPOSIS 1, ATTENUATED; POLYPOSIS, ADENOMATOUS INTESTINAL. Identifiers: MedGen C2713442, MONDO:0021056, OMIM 175100. Disease mechanism: loss of function.

Submissions (2):

All of Us Research Program, National Institutes of Health
Classification: Uncertain significance for Classic or attenuated familial adenomatous polyposis. Last evaluated: 2023-05-08. Review status: criteria provided, single submitter. Criteria: ACMG Guidelines, 2015. Collection method: clinical testing. Allele origin: germline. Inheritance: Autosomal dominant inheritance. Observed: 1 variant allele, 1 heterozygote.
Comment: This study involves interpretation of variants in research participants for the purpose of population health screening. Participant phenotype was not available at the time of variant classification. Additional details can be found in publication PMID: 35346344, PMCID: PMC8962531

Labcorp Genetics (formerly Invitae), Labcorp
Classification: Uncertain significance for Familial adenomatous polyposis 1. Last evaluated: 2020-09-10. Review status: criteria provided, single submitter. Criteria: Invitae Variant Classification Sherloc (09022015). Collection method: clinical testing. Allele origin: germline.
Comment: Algorithms developed to predict the effect of missense changes on protein structure and function (SIFT, PolyPhen-2, Align-GVGD) all suggest that this variant is likely to be disruptive, but these predictions have not been confirmed by published functional studies and their clinical significance is uncertain. In summary, the available evidence is currently insufficient to determine the role of this variant in disease. Therefore, it has been classified as a Variant of Uncertain Significance. This variant has not been reported in the literature in individuals with APC-related conditions. This variant is not present in population databases (ExAC no frequency). This sequence change replaces serine with phenylalanine at codon 2571 of the APC protein (p.Ser2571Phe). The serine residue is highly conserved and there is a large physicochemical difference between serine and phenylalanine.